The following is an entry in ClinVar:

ClinVar aggregate classification (germline): Conflicting classifications of pathogenicity. Review status: criteria provided, conflicting classifications (1 of 4 stars). 2 submissions from 2 submitters: Uncertain significance (1); Likely benign (1). Last evaluated 2024-05-23.

Allele frequency attached by ClinVar (database versions not stated): gnomAD exomes below 0.00001 and 0.00005; gnomAD 0.00001; TOPMed 0.00001; ExAC 0.00006.

Submissions (2):

Blueprint Genetics
Classification: Likely benign. Last evaluated: 2024-05-23. Review status: criteria provided, single submitter. Criteria: ACMG Guidelines, 2015. Collection method: clinical testing. Allele origin: germline.

Labcorp Genetics (formerly Invitae), Labcorp
Classification: Uncertain significance. Last evaluated: 2024-04-05. Review status: criteria provided, single submitter. Criteria: Invitae Variant Classification Sherloc (09022015). Collection method: clinical testing. Allele origin: germline.
Comment: This sequence change falls in intron 12 of the CACNA2D4 gene. It does not directly change the encoded amino acid sequence of the CACNA2D4 protein. It affects a nucleotide within the consensus splice site. This variant is present in population databases (rs779530572, gnomAD 0.06%), and has an allele count higher than expected for a pathogenic variant. This variant has not been reported in the literature in individuals affected with CACNA2D4-related conditions. ClinVar contains an entry for this variant (Variation ID: 852748). Variants that disrupt the consensus splice site are a relatively common cause of aberrant splicing (PMID: 17576681, 9536098). Algorithms developed to predict the effect of sequence changes on RNA splicing suggest that this variant is not likely to affect RNA splicing. In summary, the available evidence is currently insufficient to determine the role of this variant in disease. Therefore, it has been classified as a Variant of Uncertain Significance.

Literature cited by the submitters: PubMed 17576681 (cited by Labcorp Genetics (formerly Invitae), Labcorp); PubMed 9536098 (cited by Labcorp Genetics (formerly Invitae), Labcorp).

NM_172364.5(CACNA2D4):c.1351+6T>C

Gene: CACNA2D4 (calcium voltage-gated channel auxiliary subunit alpha2delta 4; minus strand). Cytogenetic location: 12p13.33.
Variant type: single nucleotide variant.
Coding change: c.1351+6T>C on transcript NM_172364.5 (MANE Select); 6 bases into the intron after coding-DNA position 1351, T replaced by C.
Molecular consequence: intron variant.
Genome position (GRCh38, 1-based): chr12:1,884,237, A>G on the plus strand (T>C on the coding strand, the complement: CACNA2D4 is on the minus strand). VCF-style: chr12-1884237-A-G. GRCh37 (hg19) VCF-style: chr12-1993403-A-G.
Identifiers: ClinVar variation 852748 (VCV000852748.10), dbSNP rs779530572, ClinGen allele CA6387180.
Genomic context (GRCh38, chr12:1,884,237, plus strand): 5'-GGCTGGGTAACCCTGTCTCCTGTGCTCAGGTGCAGGTGGGAAGGTACCTGCTGGCCCGGC[A>G]CTCACCTTTGTTGTTGCATGCAATCCACTTCATGCGGTCAGCAAAAGACACTTCTCTCCC-3'